The following is an entry in ClinVar:

NM_001244008.2(KIF1A):c.5339A>C (p.Lys1780Thr)

Gene: KIF1A (kinesin family member 1A; minus strand). Cytogenetic location: 2q37.3.
Variant type: single nucleotide variant.
Coding change: c.5339A>C on transcript NM_001244008.2 (MANE Select); coding-DNA position 5339, A replaced by C.
Protein change: p.Lys1780Thr; replaces lysine 1780 with threonine.
Molecular consequence: missense variant.
Genome position (GRCh38, 1-based): chr2:240,717,401, T>G on the plus strand (A>C on the coding strand, the complement: KIF1A is on the minus strand). VCF-style: chr2-240717401-T-G. GRCh37 (hg19) VCF-style: chr2-241656818-T-G.
Other names: c.5063A>C, p.Lys1688Thr (NM_001320705.2, NM_001379649.1); c.5090A>C, p.Lys1697Thr (NM_001330289.2); c.5138A>C, p.Lys1713Thr (NM_001330290.2, NM_001379648.1); c.5414A>C, p.Lys1805Thr (NM_001379631.1); c.5315A>C, p.Lys1772Thr (NM_001379632.1); c.5312A>C, p.Lys1771Thr (NM_001379633.1, NM_001379645.1); c.5165A>C, p.Lys1722Thr (NM_001379634.1); c.5162A>C, p.Lys1721Thr (NM_001379635.1, NM_001379646.1); and 8 more; short protein forms K1704T, K1722T, K1679T, K1688T, K1697T, K1678T, K1696T, K1713T.
Identifiers: ClinVar variation 2938239 (VCV002938239.3), dbSNP rs748416328, ClinGen allele CA351297281.
Genomic context (GRCh38, chr2:240,717,401, plus strand): 5'-GGCTGTCACGGGAGGGCTCAGGTTCAGACCCGCATCTGGGCAGACCTCCTTCTGGAGAGC[T>G]TGGACCTGCAGAAGAGTTGGGAGAGGCGGCGTGGTCAGGCCAGGAACACCTGCAGGCCAT-3'
Protein context (NP_001230937.1, residues 1770-1790): NPLLAGTIRS[Lys1780Thr]LSRRRSAQMR

ClinVar aggregate classification (germline): Uncertain significance (1 of 4 stars; one submission).

Conditions:
Neuropathy, hereditary sensory, type 2C. Also called: KIF1A-Related HSAN2 (HSAN2C); Hereditary sensory and autonomic neuropathy type IIC. Identifiers: Orphanet 970, MedGen C3280168, MONDO:0013634, OMIM 614213.
Hereditary spastic paraplegia 30. Identifiers: Orphanet 101010, MedGen C5235139, MONDO:0012476.
Intellectual disability, autosomal dominant 9 (NESCAVS). Also called: NESCAV SYNDROME; KIF1A-Related Neurodevelopmental Disorder. Identifiers: Orphanet 662367, MedGen C5393830, MONDO:0013656, OMIM 614255.

gnomAD v4.1: 2 of 1,611,492 alleles (0.00012%); highest among the groups gnomAD compares: Non-Finnish European, 0.00017%; no homozygotes.

Submission:

Labcorp Genetics (formerly Invitae), Labcorp
Classification: Uncertain significance for Hereditary spastic paraplegia 30; Neuropathy, hereditary sensory, type 2C; Intellectual disability, autosomal dominant 9. Last evaluated: 2023-12-23. Review status: criteria provided, single submitter. Criteria: Invitae Variant Classification Sherloc (09022015). Collection method: clinical testing. Allele origin: germline.
Comment: This sequence change replaces lysine, which is basic and polar, with threonine, which is neutral and polar, at codon 1679 of the KIF1A protein (p.Lys1679Thr). This variant is not present in population databases (gnomAD no frequency). This variant has not been reported in the literature in individuals affected with KIF1A-related conditions. Advanced modeling of protein sequence and biophysical properties (such as structural, functional, and spatial information, amino acid conservation, physicochemical variation, residue mobility, and thermodynamic stability) performed at Invitae indicates that this missense variant is not expected to disrupt KIF1A protein function with a negative predictive value of 95%. In summary, the available evidence is currently insufficient to determine the role of this variant in disease. Therefore, it has been classified as a Variant of Uncertain Significance.